The following is an entry in ClinVar:

NM_006009.4(TUBA1A):c.1304T>C (p.Val435Ala)

Gene: TUBA1A (tubulin alpha 1a; minus strand). Cytogenetic location: 12q13.12.
Variant type: single nucleotide variant.
Coding change: c.1304T>C on transcript NM_006009.4 (MANE Select); coding-DNA position 1304, T replaced by C.
Protein change: p.Val435Ala; replaces valine 435 with alanine.
Molecular consequence: missense variant.
Genome position (GRCh38, 1-based): chr12:49,185,062, A>G on the plus strand (T>C on the coding strand, the complement: TUBA1A is on the minus strand). VCF-style: chr12-49185062-A-G. GRCh37 (hg19) VCF-style: chr12-49578845-A-G.
Other names: c.1304T>C, p.Val435Ala (NM_001270399.2); c.1199T>C, p.Val400Ala (NM_001270400.2); short protein forms V435A, V400A.
Identifiers: ClinVar variation 437120 (VCV000437120.9), dbSNP rs1555162242, ClinGen allele CA384633254.

ClinVar aggregate classification (germline): Conflicting classifications of pathogenicity. Review status: criteria provided, conflicting classifications (1 of 4 stars). 3 submissions from 3 submitters: Likely pathogenic (2); Uncertain significance (1). Last evaluated 2024-11-30.

Conditions:
Lissencephaly due to TUBA1A mutation (CDCBM16). Also called: CORTICAL DYSPLASIA, COMPLEX, WITH OTHER BRAIN MALFORMATIONS 16; Lissencephaly 3. Identifiers: Orphanet 171680, MedGen C4305153, MONDO:0012703, OMIM 611603.
Tubulinopathy. Also called: Tubulinopathies. Identifiers: MedGen CN850169, MONDO:0100153.

Submissions (3):

Labcorp Genetics (formerly Invitae), Labcorp
Classification: Uncertain significance. Last evaluated: 2024-11-30. Review status: criteria provided, single submitter. Criteria: Invitae Variant Classification Sherloc (09022015). Collection method: clinical testing. Allele origin: germline.
Comment: This sequence change replaces valine, which is neutral and non-polar, with alanine, which is neutral and non-polar, at codon 435 of the TUBA1A protein (p.Val435Ala). This variant is not present in population databases (gnomAD no frequency). This missense change has been observed in individual(s) with TUBA1A-related conditions (PMID: 30744660). ClinVar contains an entry for this variant (Variation ID: 437120). Invitae Evidence Modeling of protein sequence and biophysical properties (such as structural, functional, and spatial information, amino acid conservation, physicochemical variation, residue mobility, and thermodynamic stability) indicates that this missense variant is not expected to disrupt TUBA1A protein function with a negative predictive value of 80%. In summary, the available evidence is currently insufficient to determine the role of this variant in disease. Therefore, it has been classified as a Variant of Uncertain Significance.

Institute of Human Genetics, FAU Erlangen, Friedrich-Alexander-Universität Erlangen-Nürnberg
Classification: Likely pathogenic for Tubulinopathies. Last evaluated: 2018-07-01. Review status: criteria provided, single submitter. Criteria: ACMG Guidelines, 2015. Collection method: literature only. Allele origin: germline. Affected: yes. Observed: 1 variant allele.
Comment: The c.1304T>C, p.(Val435Ala) variant has been reported as a variant of germline/unknown origin.

Genetic Services Laboratory, University of Chicago
Classification: Likely pathogenic for Lissencephaly 3. Last evaluated: 2016-09-06. Review status: criteria provided, single submitter. Criteria: ACMG Guidelines, 2015. Collection method: clinical testing. Allele origin: germline. Affected: yes.

Literature cited by the submitters: PubMed 30744660 (cited by Labcorp Genetics (formerly Invitae), Labcorp and Institute of Human Genetics, FAU Erlangen, Friedrich-Alexander-Universität Erlangen-Nürnberg); DOI 10.1101/427948 (cited by Institute of Human Genetics, FAU Erlangen, Friedrich-Alexander-Universität Erlangen-Nürnberg).